The following is an entry in ClinVar:

ClinVar aggregate classification (germline): Uncertain significance (1 of 4 stars; one submission).

Allele frequency attached by ClinVar (database versions not stated): TOPMed below 0.00001; ExAC 0.00001; gnomAD exomes 0.00001.
gnomAD v4.1: 5 of 1,610,080 alleles (0.00031%); highest among the groups gnomAD compares: Admixed American, 0.0084%; no homozygotes.

Submission:

Labcorp Genetics (formerly Invitae), Labcorp
Classification: Uncertain significance. Last evaluated: 2023-09-17. Review status: criteria provided, single submitter. Criteria: Invitae Variant Classification Sherloc (09022015). Collection method: clinical testing. Allele origin: germline.
Comment: In summary, the available evidence is currently insufficient to determine the role of this variant in disease. Therefore, it has been classified as a Variant of Uncertain Significance. Advanced modeling of protein sequence and biophysical properties (such as structural, functional, and spatial information, amino acid conservation, physicochemical variation, residue mobility, and thermodynamic stability) performed at Invitae indicates that this missense variant is not expected to disrupt TRAP1 protein function. ClinVar contains an entry for this variant (Variation ID: 2176920). This variant has not been reported in the literature in individuals affected with TRAP1-related conditions. This variant is present in population databases (rs780375051, gnomAD 0.01%). This sequence change replaces isoleucine, which is neutral and non-polar, with valine, which is neutral and non-polar, at codon 464 of the TRAP1 protein (p.Ile464Val).

NM_016292.3(TRAP1):c.1390A>G (p.Ile464Val)

Genes: DNASE1 (deoxyribonuclease 1; plus strand), TRAP1 (TNF receptor associated protein 1; minus strand). Cytogenetic location: 16p13.3.
Variant type: single nucleotide variant.
Coding change: c.1390A>G on transcript NM_016292.3 (MANE Select); coding-DNA position 1390, A replaced by G.
Protein change: p.Ile464Val; replaces isoleucine 464 with valine.
Molecular consequence: missense variant. On other transcripts: 3 prime UTR variant (1).
Genome position (GRCh38, 1-based): chr16:3,664,453, T>C on the plus strand (A>G on the coding strand, the complement: TRAP1 is on the minus strand). VCF-style: chr16-3664453-T-C. GRCh37 (hg19) VCF-style: chr16-3714454-T-C.
Other names: c.1231A>G, p.Ile411Val (NM_001272049.2); c.*1829T>C (NM_001387140.1); short protein forms I464V, I411V.
Identifiers: ClinVar variation 2176920 (VCV002176920.3), dbSNP rs780375051, ClinGen allele CA7868100.